The following is an entry in ClinVar:

NM_032228.6(FAR1):c.-7-4T>G

Gene: FAR1 (fatty acyl-CoA reductase 1; plus strand). Cytogenetic location: 11p15.3.
Variant type: single nucleotide variant.
Coding change: c.-7-4T>G on transcript NM_032228.6 (MANE Select); 4 bases into the intron before 7 bases upstream of the start codon, T replaced by G.
Molecular consequence: intron variant.
Genome position (GRCh38, 1-based): chr11:13,694,755, T>G. VCF-style: chr11-13694755-T-G. GRCh37 (hg19) VCF-style: chr11-13716302-T-G.
Other names: c.-7-4T>G (NM_001441242.1, NM_001441245.1, NM_001441243.1 and 6 more transcripts).
Identifiers: ClinVar variation 4882634 (VCV004882634.2).

ClinVar aggregate classification (germline): Uncertain significance (1 of 4 stars; one submission).

gnomAD v4.1: 2 of 1,600,888 alleles (0.00012%); highest among the groups gnomAD compares: Non-Finnish European, 0.00017%; no homozygotes.

Submission:

Dasa
Classification: Uncertain significance. Last evaluated: 2025-09-15. Review status: criteria provided, single submitter. Criteria: DASA Assertion Criteria. Collection method: clinical testing. Allele origin: germline.
Comment: NM_032228.6(FAR1):c.-7-4T>G is a splice-region variant. This variant is rare in population databases. Computational prediction algorithms are consistent with a benign effect. The currently available literature and clinical evidence are not sufficient to establish a definitive association between this variant and the reported condition. Therefore, this variant is classified as a variant of uncertain significance.